The following is an entry in ClinVar:

NM_005235.3(ERBB4):c.1717G>A (p.Gly573Ser)

Gene: ERBB4 (erb-b2 receptor tyrosine kinase 4; minus strand). Cytogenetic location: 2q34.
Variant type: single nucleotide variant.
Coding change: c.1717G>A on transcript NM_005235.3 (MANE Select); coding-DNA position 1717, G replaced by A.
Protein change: p.Gly573Ser; replaces glycine 573 with serine.
Molecular consequence: missense variant.
Genome position (GRCh38, 1-based): chr2:211,665,477, C>T on the plus strand (G>A on the coding strand, the complement: ERBB4 is on the minus strand). VCF-style: chr2-211665477-C-T. GRCh37 (hg19) VCF-style: chr2-212530202-C-T.
Other names: c.1717G>A, p.Gly573Ser (NM_001042599.2); short protein forms G573S.
Identifiers: ClinVar variation 1347969 (VCV001347969.6), dbSNP rs750966942, ClinGen allele CA2088023.

ClinVar aggregate classification (germline): Uncertain significance (1 of 4 stars; one submission).

Allele frequency attached by ClinVar (database versions not stated): ExAC 0.00001; gnomAD exomes 0.00001; TOPMed 0.00001.
gnomAD v4.1: 18 of 1,613,678 alleles (0.0011%); highest among the groups gnomAD compares: Non-Finnish European, 0.0014%; no homozygotes.

Submission:

Labcorp Genetics (formerly Invitae), Labcorp
Classification: Uncertain significance. Last evaluated: 2023-01-14. Review status: criteria provided, single submitter. Criteria: Invitae Variant Classification Sherloc (09022015). Collection method: clinical testing. Allele origin: germline.
Comment: In summary, the available evidence is currently insufficient to determine the role of this variant in disease. Therefore, it has been classified as a Variant of Uncertain Significance. Algorithms developed to predict the effect of missense changes on protein structure and function are either unavailable or do not agree on the potential impact of this missense change (SIFT: "Deleterious"; PolyPhen-2: "Probably Damaging"; Align-GVGD: "Class C0"). ClinVar contains an entry for this variant (Variation ID: 1347969). This variant has not been reported in the literature in individuals affected with ERBB4-related conditions. The frequency data for this variant in the population databases is considered unreliable, as metrics indicate poor data quality at this position in the gnomAD database. This sequence change replaces glycine, which is neutral and non-polar, with serine, which is neutral and polar, at codon 573 of the ERBB4 protein (p.Gly573Ser).